The following is an entry in ClinVar:

NC_000016.10:g.(?_23603449)_(23626407_?)del

Gene: PALB2 (partner and localizer of BRCA2; minus strand). Cytogenetic location: 16p12.2.
Variant type: Deletion.
Identifiers: ClinVar variation 583437 (VCV000583437.4).

ClinVar aggregate classification (germline): Pathogenic (1 of 4 stars; one submission).

Conditions:
Familial cancer of breast. Also called: Hereditary breast cancer; hereditary breast carcinoma; BREAST CANCER, FAMILIAL. Identifiers: Orphanet 227535, MedGen C0346153, MONDO:0016419, OMIM 114480. Disease mechanism: loss of function.

Submission:

Labcorp Genetics (formerly Invitae), Labcorp
Classification: Pathogenic for Hereditary Breast Carcinoma. Last evaluated: 2019-04-22. Review status: criteria provided, single submitter. Criteria: Invitae Variant Classification Sherloc (09022015). Collection method: clinical testing. Allele origin: germline.
Comment: This variant is a gross deletion of the genomic region encompassing exons 7-13 of the PALB2 gene. The 5' boundary is likely confined to intron 6. The 3' end of this event is unknown as it extends through the termination codon beyond the assayed region for this gene and may encompass additional genes. While this deletion is not anticipated to result in nonsense mediated decay, it is expected to create a truncated protein product or disrupt mRNA translation. Loss-of-function variants and gross deletions in PALB2 are known to be pathogenic. The deletion of exons 7-13 of PALB2 has been reported in the literature in individuals undergoing testing for hereditary cancer syndromes (PMID: 24763289). In addition, smaller sub-genic deletions, including exons 12-13 and exon 13, have been reported in individuals affected with breast and/or pancreatic cancer (PMID: 19635604, 25099575). Exon 13 encodes two WD40-like repeat motifs in the PALB2 protein. WD40 motifs are required for the interaction with the BRCA2 protein (PMID: 16793542, 19609323). In vitro experiments have shown that loss of either of the two WD40 repeats affects PALB2-BRCA2 interaction (PMID: 19423707). This exonic deletion is likely to truncate the PALB2 protein and abolish its DNA repair function. For these reasons, this sequence change has been classified as Pathogenic.

Literature cited by the submitters: PubMed 19635604; PubMed 25099575; PubMed 19423707; PubMed 24763289; PubMed 16793542; PubMed 19609323.